The following is an entry in ClinVar:

ClinVar aggregate classification (germline): Uncertain significance (1 of 4 stars; one submission).

Conditions:
Hypertrophic cardiomyopathy 14. Identifiers: MedGen C2750467, MONDO:0013197, OMIM 613251.

Submission:

Labcorp Genetics (formerly Invitae), Labcorp
Classification: Uncertain significance for Hypertrophic cardiomyopathy 14. Last evaluated: 2020-01-15. Review status: criteria provided, single submitter. Criteria: Invitae Variant Classification Sherloc (09022015). Collection method: clinical testing. Allele origin: germline.
Comment: In summary, the available evidence is currently insufficient to determine the role of this variant in disease. Therefore, it has been classified as a Variant of Uncertain Significance. The current clinical and genetic evidence is not sufficient to establish whether loss-of-function variants in MYH6 cause disease. This variant has not been reported in the literature in individuals with MYH6-related disease. This variant is not present in population databases (ExAC no frequency). This sequence change creates a premature translational stop signal (p.Cys521Alafs*27) in the MYH6 gene. It is expected to result in an absent or disrupted protein product.

NM_002471.4(MYH6):c.1560del (p.Cys521fs)

Gene: MYH6 (myosin heavy chain 6; minus strand). Cytogenetic location: 14q11.2.
Variant type: Deletion.
Coding change: c.1560del on transcript NM_002471.4 (MANE Select); coding-DNA position 1560, one base deleted (C; older notation c.1560delC).
Protein change: p.Cys521fs; shifts the reading frame from cysteine 521.
Molecular consequence: frameshift variant.
Genome position (GRCh38, 1-based): chr14:23,400,277, G deleted on the plus strand (C on the coding strand, the reverse complement: MYH6 is on the minus strand); the first of 2 consecutive G bases (chr14:23,400,277-23,400,278); deleting either gives the same sequence. VCF-style (leftmost placement, unchanged base first): chr14-23400276-AG-A. GRCh37 (hg19) VCF-style: chr14-23869485-AG-A.
Other names: c.1560delC (NM_002471.3); short protein forms C521fs.
Identifiers: ClinVar variation 537960 (VCV000537960.6), dbSNP rs1555334545, ClinGen allele CA658798173.
Genomic context (GRCh38, chr14:23,400,276, plus strand): 5'-GGCAGAGGAGGGGGCATAGGTGGTGAGGCCAAGGAGGCACCTTCTCGATGAGGTCAATGC[AG>A]GCCTGCAGGTCCATGCCAAAGTCAATGAATGTCCACTCAATGCCCTCCTTCTTGTACTCC-3'